The following is an entry in ClinVar:

ClinVar aggregate classification (germline): Likely benign. Review status: criteria provided, multiple submitters, no conflicts (2 of 4 stars). 2 submissions from 2 submitters: Likely benign (2). Last evaluated 2023-08-10.

Conditions:
Walker-Warburg congenital muscular dystrophy. Also called: Muscular dystrophy-dystroglycanopathy, type A; Walker-Warburg syndrome. Identifiers: Orphanet 899, MedGen C0265221, MONDO:0000171.

Allele frequency attached by ClinVar (database versions not stated): gnomAD exomes below 0.00001.

Submissions (2):

Labcorp Genetics (formerly Invitae), Labcorp
Classification: Likely benign for Walker-Warburg congenital muscular dystrophy. Last evaluated: 2023-08-10. Review status: criteria provided, single submitter. Criteria: Invitae Variant Classification Sherloc (09022015). Collection method: clinical testing. Allele origin: germline.

GeneDx
Classification: Likely benign. Last evaluated: 2018-06-18. Review status: criteria provided, single submitter. Criteria: GeneDx Variant Classification (06012015). Collection method: clinical testing. Allele origin: germline. Affected: yes.
Comment: This variant is considered likely benign or benign based on one or more of the following criteria: it is a conservative change, it occurs at a poorly conserved position in the protein, it is predicted to be benign by multiple in silico algorithms, and/or has population frequency not consistent with disease.

NM_024301.5(FKRP):c.345G>A (p.Ser115=)

Gene: FKRP (fukutin related protein; plus strand). Cytogenetic location: 19q13.32.
Variant type: single nucleotide variant.
Coding change: c.345G>A on transcript NM_024301.5 (MANE Select); coding-DNA position 345, G replaced by A.
Protein change: p.Ser115=; no amino-acid change (serine 115 retained).
Molecular consequence: synonymous variant.
Genome position (GRCh38, 1-based): chr19:46,755,795, G>A. VCF-style: chr19-46755795-G-A. GRCh37 (hg19) VCF-style: chr19-47259052-G-A.
Other names: c.345G>A, p.Ser115= (NM_001039885.3).
Identifiers: ClinVar variation 672188 (VCV000672188.4), dbSNP rs1356142931, ClinGen allele CA507975487.